The following is an entry in ClinVar:

NM_025099.6(CTC1):c.3398G>C (p.Arg1133Thr)

Gene: CTC1 (CST telomere replication complex component 1; minus strand). Cytogenetic location: 17p13.1.
Variant type: single nucleotide variant.
Coding change: c.3398G>C on transcript NM_025099.6 (MANE Select); coding-DNA position 3398, G replaced by C.
Protein change: p.Arg1133Thr; replaces arginine 1133 with threonine.
Molecular consequence: missense variant. On other transcripts: non-coding transcript variant (1).
Genome position (GRCh38, 1-based): chr17:8,228,619, C>G on the plus strand (G>C on the coding strand, the complement: CTC1 is on the minus strand). VCF-style: chr17-8228619-C-G. GRCh37 (hg19) VCF-style: chr17-8131937-C-G.
Other names: c.3167G>C, p.Arg1056Thr (NM_001411067.1); short protein forms R1056T, R1133T.
Identifiers: ClinVar variation 4235510 (VCV004235510.2).

ClinVar aggregate classification (germline): Uncertain significance. Review status: criteria provided, multiple submitters, no conflicts (2 of 4 stars). 2 submissions from 2 submitters: Uncertain significance (2). Last evaluated 2026-08-06.

Conditions:
Cerebroretinal microangiopathy with calcifications and cysts 1 (CRMCC1). Identifiers: Orphanet 313838, MedGen C4552029, MONDO:0024564, OMIM 612199.
Inborn genetic diseases. Identifiers: MedGen C0950123, MeSH D030342.

Submissions (2):

OLLIN Analises Genomicas, OLLIN
Classification: Uncertain significance for Cerebroretinal microangiopathy with calcifications and cysts 1. Last evaluated: 2026-08-06. Review status: criteria provided, single submitter. Criteria: ACMG Guidelines 2015 PMID 25741868. Collection method: clinical testing. Allele origin: germline.
Comment: This missense variant, located in exon 22 (of 23), is absent from gnomAD and ClinVar and has not been identified in the literature. In silico analysis predicts that this variant has a tolerated effect. According to the currently available evidence, this variant has been classified as uncertain significance (PM2_P, BP4_M).

Ambry Genetics
Classification: Uncertain significance for Inborn genetic diseases. Last evaluated: 2025-06-18. Review status: criteria provided, single submitter. Criteria: Ambry Variant Classification Scheme 2023. Collection method: clinical testing. Allele origin: germline.